The following is an entry in ClinVar:

NM_004525.3(LRP2):c.5737C>G (p.Leu1913Val)

Gene: LRP2 (LDL receptor related protein 2; minus strand). Cytogenetic location: 2q31.1.
Variant type: single nucleotide variant.
Coding change: c.5737C>G on transcript NM_004525.3 (MANE Select); coding-DNA position 5737, C replaced by G.
Protein change: p.Leu1913Val; replaces leucine 1913 with valine.
Molecular consequence: missense variant.
Genome position (GRCh38, 1-based): chr2:169,216,342, G>C on the plus strand (C>G on the coding strand, the complement: LRP2 is on the minus strand). VCF-style: chr2-169216342-G-C. GRCh37 (hg19) VCF-style: chr2-170072852-G-C.
Other names: short protein forms L1913V.
Identifiers: ClinVar variation 1327320 (VCV001327320.9), dbSNP rs151079759, ClinGen allele CA1954452.
Genomic context (GRCh38, chr2:169,216,342, plus strand): 5'-GTTTCTGCTCTTCGATGTCAAGAGTGACACACTCCAGGTGTTCGAGGTTCCCAGTAAAGA[G>C]AGTTTTCACAGATGTGCCATCCATGTTAGCACTGGCGATCTTGGCAGGAACCCCACTGTC-3'
Protein context (NP_004516.2, residues 1903-1923): ANMDGTSVKT[Leu1913Val]FTGNLEHLEC

ClinVar aggregate classification (germline): Uncertain significance. Review status: criteria provided, multiple submitters, no conflicts (2 of 4 stars). 4 submissions from 4 submitters: Uncertain significance (4). Last evaluated 2024-05-10.

Allele frequency attached by ClinVar (database versions not stated): ExAC 0.00002; gnomAD exomes 0.00002 and 0.00005; gnomAD 0.00016 and 0.00018; TOPMed 0.00017; ESP Exome Variant Server 0.00031; 1000 Genomes Project 0.00040; 1000 Genomes Project 30x 0.00047.
gnomAD v4.1: 66 of 1,613,648 alleles (0.0041%); highest among the groups gnomAD compares: African/African-American, 0.071%; 1 homozygote.

Submissions (4):

Blueprint Genetics
Classification: Uncertain significance. Last evaluated: 2024-05-10. Review status: criteria provided, single submitter. Criteria: ACMG Guidelines, 2015. Collection method: clinical testing. Allele origin: germline.

GeneDx
Classification: Uncertain significance. Last evaluated: 2023-12-11. Review status: criteria provided, single submitter. Criteria: GeneDx Variant Classification Process June 2021. Collection method: clinical testing. Allele origin: germline. Affected: yes.
Comment: In silico analysis supports that this missense variant does not alter protein structure/function; Has not been previously published as pathogenic or benign to our knowledge

Clinical Genetics Laboratory, Skane University Hospital Lund
Classification: Uncertain significance. Last evaluated: 2023-11-01. Review status: criteria provided, single submitter. Criteria: ACMG Guidelines, 2015. Collection method: clinical testing. Allele origin: germline. Affected: yes.

Labcorp Genetics (formerly Invitae), Labcorp
Classification: Uncertain significance. Last evaluated: 2022-10-24. Review status: criteria provided, single submitter. Criteria: Invitae Variant Classification Sherloc (09022015). Collection method: clinical testing. Allele origin: germline.
Comment: This sequence change replaces leucine, which is neutral and non-polar, with valine, which is neutral and non-polar, at codon 1913 of the LRP2 protein (p.Leu1913Val). This variant is present in population databases (rs151079759, gnomAD 0.05%). This variant has not been reported in the literature in individuals affected with LRP2-related conditions. ClinVar contains an entry for this variant (Variation ID: 1327320). Advanced modeling of protein sequence and biophysical properties (such as structural, functional, and spatial information, amino acid conservation, physicochemical variation, residue mobility, and thermodynamic stability) performed at Invitae indicates that this missense variant is expected to disrupt LRP2 protein function. In summary, the available evidence is currently insufficient to determine the role of this variant in disease. Therefore, it has been classified as a Variant of Uncertain Significance.